The following is an entry in ClinVar:

ClinVar aggregate classification (germline): Uncertain significance (1 of 4 stars; one submission).

Allele frequency attached by ClinVar (database versions not stated): gnomAD exomes below 0.00001.
gnomAD v4.1: 1 of 1,614,020 alleles (0.000062%); highest among the groups gnomAD compares: Non-Finnish European, 0.000085%; no homozygotes.

Submission:

Ambry Genetics
Classification: Uncertain significance. Last evaluated: 2023-11-10. Review status: criteria provided, single submitter. Criteria: Ambry Variant Classification Scheme 2023. Collection method: clinical testing. Allele origin: germline.
Comment: The p.A242V variant (also known as c.725C>T), located in coding exon 7 of the RAD54L gene, results from a C to T substitution at nucleotide position 725. The alanine at codon 242 is replaced by valine, an amino acid with similar properties. This amino acid position is conserved. In addition, the in silico prediction for this alteration is inconclusive. Since supporting evidence is limited at this time, the clinical significance of this alteration remains unclear.

NM_003579.4(RAD54L):c.725C>T (p.Ala242Val)

Gene: RAD54L (RAD54 like; plus strand). Cytogenetic location: 1p34.1.
Variant type: single nucleotide variant.
Coding change: c.725C>T on transcript NM_003579.4 (MANE Select); coding-DNA position 725, C replaced by T.
Protein change: p.Ala242Val; replaces alanine 242 with valine.
Molecular consequence: missense variant.
Genome position (GRCh38, 1-based): chr1:46,260,974, C>T. VCF-style: chr1-46260974-C-T. GRCh37 (hg19) VCF-style: chr1-46726646-C-T.
Other names: c.725C>T, p.Ala242Val (NM_001142548.2); c.185C>T, p.Ala62Val (NM_001370766.1); short protein forms A242V, A62V.
Identifiers: ClinVar variation 3223458 (VCV003223458.1), dbSNP rs1173712085, ClinGen allele CA340187733.